The following is an entry in ClinVar:

NM_000264.5(PTCH1):c.1602+3A>T

Gene: PTCH1 (patched 1; minus strand). Cytogenetic location: 9q22.32.
Variant type: single nucleotide variant.
Coding change: c.1602+3A>T on transcript NM_000264.5 (MANE Select); 3 bases into the intron after coding-DNA position 1602, A replaced by T.
Molecular consequence: intron variant.
Genome position (GRCh38, 1-based): chr9:95,476,756, T>A on the plus strand (A>T on the coding strand, the complement: PTCH1 is on the minus strand). VCF-style: chr9-95476756-T-A. GRCh37 (hg19) VCF-style: chr9-98239038-T-A.
Other names: c.1599+3A>T (NM_001083603.3); c.1404+3A>T (NM_001083602.3); c.1446+3A>T (NM_001354918.2); c.1149+3A>T (NM_001083605.3, NM_001083604.3, NM_001083606.3 and 1 more transcripts).
Identifiers: ClinVar variation 2111853 (VCV002111853.4), dbSNP rs2538198952, ClinGen allele CA2580080907.
Genomic context (GRCh38, chr9:95,476,756, plus strand): 5'-AATACTTAGGAACAGAGGAAGCTGTGATGTCCCCAAAGCTCTCTTCTTTTGTTTTTGCAT[T>A]ACCTCAAAAGGGATTCTTTTATTCTGTCCTGTTTCACTGAAGGCGTGGGCCAGAAGAAAA-3'

ClinVar aggregate classification (germline): Pathogenic (1 of 4 stars; one submission).

Conditions:
Gorlin syndrome. Also called: Nevoid Basal Cell Carcinoma Syndrome; Basal cell nevus syndrome. Identifiers: Orphanet 377, MedGen C0004779, MONDO:0007187.

Submission:

Labcorp Genetics (formerly Invitae), Labcorp
Classification: Pathogenic for Gorlin syndrome. Last evaluated: 2022-11-14. Review status: criteria provided, single submitter. Criteria: Invitae Variant Classification Sherloc (09022015). Collection method: clinical testing. Allele origin: germline.
Comment: This sequence change falls in intron 11 of the PTCH1 gene. It does not directly change the encoded amino acid sequence of the PTCH1 protein. It affects a nucleotide within the consensus splice site. This variant is not present in population databases (gnomAD no frequency). This variant has been observed in individual(s) with Basal cell nevus syndrome (Invitae). In at least one individual the variant was observed to be de novo. Variants that disrupt the consensus splice site are a relatively common cause of aberrant splicing (PMID: 17576681, 9536098). Algorithms developed to predict the effect of sequence changes on RNA splicing suggest that this variant may disrupt the consensus splice site. For these reasons, this variant has been classified as Pathogenic.

Literature cited by the submitters: PubMed 17576681; PubMed 9536098.